The following is an entry in ClinVar:

NM_007294.4(BRCA1):c.29A>T (p.Glu10Val)

Gene: BRCA1 (BRCA1 DNA repair associated; minus strand). Cytogenetic location: 17q21.31.
Variant type: single nucleotide variant.
Coding change: c.29A>T on transcript NM_007294.4 (MANE Select); coding-DNA position 29, A replaced by T.
Protein change: p.Glu10Val; replaces glutamic acid 10 with valine.
Molecular consequence: missense variant. On other transcripts: 5 prime UTR variant (1), non-coding transcript variant (1).
Genome position (GRCh38, 1-based): chr17:43,124,068, T>A on the plus strand (A>T on the coding strand, the complement: BRCA1 is on the minus strand). VCF-style: chr17-43124068-T-A. GRCh37 (hg19) VCF-style: chr17-41276085-T-A.
Other names: c.-160A>T (NM_001407571.1, NM_001407853.1, NM_001407879.1 and 46 more transcripts); c.29A>T, p.Glu10Val (NM_001407581.1, NM_001407582.1, NM_001407583.1 and 193 more transcripts); c.-229A>T (NM_001407694.1, NM_001407724.1, NM_001407727.1 and 11 more transcripts); c.-233A>T (NM_001407695.1, NM_001408465.1); c.-374A>T (NM_001407696.1); c.-258A>T (NM_001407697.1, NM_001407846.1, NM_001407920.1); c.-59A>T (NM_001407698.1, NM_001407732.1, NM_001407736.1 and 23 more transcripts); c.-232A>T (NM_001407725.1, NM_001407730.1, NM_001407734.1 and 22 more transcripts); and 8 more; short protein forms E10V.
Identifiers: ClinVar variation 869085 (VCV000869085.3), dbSNP rs2055737507, ClinGen allele CA10602102.

Conditions:
Breast-ovarian cancer, familial, susceptibility to, 1 (BROVCA1). Also called: BRCA1 Hereditary Breast and Ovarian Cancer; OVARIAN CANCER, SUSCEPTIBILITY TO. Identifiers: Orphanet 145, MedGen C2676676, MONDO:0011450, OMIM 604370. Disease mechanism: loss of function.

Submission:

Brotman Baty Institute, University of Washington
No classification provided (evidence only). Condition: Breast-ovarian cancer, familial 1. Review status: no classification provided. Collection method: in vitro. Allele origin: not applicable. Functional consequence: function_uncertain_variant.
ClinVar note: "not provided" was previously submitted as the classification for the variant. However, the classification appeared to be based only on an observation of functional data so it was converted to no classification on 2025-07-30.